The following is an entry in ClinVar:

ClinVar aggregate classification (germline): Uncertain significance (1 of 4 stars; one submission).

Conditions:
Congenital myasthenic syndrome 5. Identifiers: Orphanet 590, MedGen C1864233, MONDO:0011281, OMIM 603034.

Allele frequency attached by ClinVar (database versions not stated): TOPMed 0.00002.

Submission:

Labcorp Genetics (formerly Invitae), Labcorp
Classification: Uncertain significance for Congenital myasthenic syndrome 5. Last evaluated: 2022-03-08. Review status: criteria provided, single submitter. Criteria: Invitae Variant Classification Sherloc (09022015). Collection method: clinical testing. Allele origin: germline.
Comment: In summary, the available evidence is currently insufficient to determine the role of this variant in disease. Therefore, it has been classified as a Variant of Uncertain Significance. Algorithms developed to predict the effect of missense changes on protein structure and function are either unavailable or do not agree on the potential impact of this missense change (SIFT: "Deleterious"; PolyPhen-2: "Not Available"; Align-GVGD: "Class C65"). This variant has not been reported in the literature in individuals affected with COLQ-related conditions. This variant is not present in population databases (gnomAD no frequency). This sequence change replaces glycine, which is neutral and non-polar, with arginine, which is basic and polar, at codon 222 of the COLQ protein (p.Gly222Arg).

NM_005677.4(COLQ):c.664G>C (p.Gly222Arg)

Gene: COLQ (collagen like tail subunit of asymmetric acetylcholinesterase; minus strand). Cytogenetic location: 3p25.1.
Variant type: single nucleotide variant.
Coding change: c.664G>C on transcript NM_005677.4 (MANE Select); coding-DNA position 664, G replaced by C.
Protein change: p.Gly222Arg; replaces glycine 222 with arginine.
Molecular consequence: missense variant.
Genome position (GRCh38, 1-based): chr3:15,470,589, C>G on the plus strand (G>C on the coding strand, the complement: COLQ is on the minus strand). VCF-style: chr3-15470589-C-G. GRCh37 (hg19) VCF-style: chr3-15512096-C-G.
Other names: c.634G>C, p.Gly212Arg (NM_080538.2); c.562G>C, p.Gly188Arg (NM_080539.4); short protein forms G212R, G222R, G188R.
Identifiers: ClinVar variation 1503771 (VCV001503771.8), dbSNP rs1472096340, ClinGen allele CA351598070.
Genomic context (GRCh38, chr3:15,470,589, plus strand): 5'-TCCTTACCTGCTTGCCTCGTTTTCCTGGTCTTCCTGTGGGTCCTCGGTGTCCTGCTATCC[C>G]AGGTTCACCTTTTGGACCCATTTCACCCTGGAAAGAAGGAAAGAGAAGCAAGAGAGGACT-3'
Protein context (NP_005668.2, residues 212-232): KGEMGPKGEP[Gly222Arg]IAGHRGPTGR